The following is an entry in ClinVar:

NM_015978.3(TNNI3K):c.616C>G (p.Leu206Val)

Genes: FPGT-TNNI3K (FPGT-TNNI3K readthrough; plus strand), TNNI3K (TNNI3 interacting kinase; plus strand). Cytogenetic location: 1p31.1.
Variant type: single nucleotide variant.
Coding change: c.616C>G on transcript NM_015978.3 (MANE Select); coding-DNA position 616, C replaced by G.
Protein change: p.Leu206Val; replaces leucine 206 with valine.
Molecular consequence: missense variant.
Genome position (GRCh38, 1-based): chr1:74,336,083, C>G. VCF-style: chr1-74336083-C-G. GRCh37 (hg19) VCF-style: chr1-74801767-C-G.
Other names: c.919C>G, p.Leu307Val (NM_001112808.3, NM_001199327.2); short protein forms L206V, L307V.
Identifiers: ClinVar variation 2982852 (VCV002982852.3), dbSNP rs1443891237, ClinGen allele CA340780329.
Genomic context (GRCh38, chr1:74,336,083, plus strand): 5'-CTTTTGAAATTTGGTGCTGATGTAAATGTAAGTGGTGAAGTTGGAGATAGACCCCTCCAC[C>G]TAGCATCTGCAAAAGGATTCTTGAATATTGCAAAACTCTTGATGGAAGAAGGCAGCAAAG-3'
Protein context (NP_057062.1, residues 196-216): SGEVGDRPLH[Leu206Val]ASAKGFLNIA

ClinVar aggregate classification (germline): Uncertain significance (1 of 4 stars; one submission).

Submission:

Labcorp Genetics (formerly Invitae), Labcorp
Classification: Uncertain significance. Last evaluated: 2023-03-10. Review status: criteria provided, single submitter. Criteria: Invitae Variant Classification Sherloc (09022015). Collection method: clinical testing. Allele origin: germline.
Comment: This sequence change replaces leucine, which is neutral and non-polar, with valine, which is neutral and non-polar, at codon 206 of the TNNI3K protein (p.Leu206Val). This variant is not present in population databases (gnomAD no frequency). This variant has not been reported in the literature in individuals affected with TNNI3K-related conditions. Advanced modeling of protein sequence and biophysical properties (such as structural, functional, and spatial information, amino acid conservation, physicochemical variation, residue mobility, and thermodynamic stability) performed at Invitae indicates that this missense variant is not expected to disrupt TNNI3K protein function. In summary, the available evidence is currently insufficient to determine the role of this variant in disease. Therefore, it has been classified as a Variant of Uncertain Significance.